The following is an entry in ClinVar:

ClinVar aggregate classification (germline): Uncertain significance. Review status: criteria provided, multiple submitters, no conflicts (2 of 4 stars). 2 submissions from 2 submitters: Uncertain significance (2). Last evaluated 2025-10-20.

Conditions:
Congenital adrenal insufficiency with 46, XY sex reversal OR 46,XY disorder of sex development-adrenal insufficiency due to CYP11A1 deficiency. Also called: Congenital adrenal insuffiency with 46, XY sex reversal OR 46,XY disorder of sex development-adrenal insufficiency due to CYP11A1 deficiency; P450scc DEFICIENCY. Identifiers: Orphanet 168558, MedGen C3151055, MONDO:0013400, OMIM 613743.

gnomAD v4.1: 16 of 1,614,070 alleles (0.00099%); highest among the groups gnomAD compares: African/African-American, 0.0013%; no homozygotes.

Submissions (2):

Myriad Genetics, Inc.
Classification: Uncertain significance for Congenital adrenal insufficiency with 46, XY sex reversal OR 46,XY disorder of sex development-adrenal insufficiency due to CYP11A1 deficiency. Last evaluated: 2025-10-20. Review status: criteria provided, single submitter. Criteria: Myriad Autosomal Dominant, Autosomal Recessive and X-Linked Classification Criteria (2023). Collection method: clinical testing. Allele origin: unknown.
Comment: NM_000781.2(CYP11A1):c.1183C>A(Q395K) is a missense variant classified as a variant of uncertain significance in the context of congenital adrenal hyperplasia, CYP11A1-related. Q395K has been observed in a case with relevant disease (PMID: 26300845). Relevant functional assessments of this variant are not available in the literature. Q395K has been observed in referenced population frequency databases. In summary, there is insufficient evidence to classify NM_000781.2(CYP11A1):c.1183C>A(Q395K) as pathogenic or benign. Please note: this variant was assessed in the context of healthy population screening.

Fulgent Genetics
Classification: Uncertain significance for Congenital adrenal insufficiency with 46, XY sex reversal OR 46,XY disorder of sex development-adrenal insufficiency due to CYP11A1 deficiency. Last evaluated: 2024-03-25. Review status: criteria provided, single submitter. Criteria: ACMG Guidelines, 2015. Collection method: clinical testing. Allele origin: germline.

Literature cited by the submitters: PubMed 26300845 (cited by Myriad Genetics, Inc.).

NM_000781.3(CYP11A1):c.1183C>A (p.Gln395Lys)

Gene: CYP11A1 (cytochrome P450 family 11 subfamily A member 1; minus strand). Cytogenetic location: 15q24.1.
Variant type: single nucleotide variant.
Coding change: c.1183C>A on transcript NM_000781.3 (MANE Select); coding-DNA position 1183, C replaced by A.
Protein change: p.Gln395Lys; replaces glutamine 395 with lysine.
Molecular consequence: missense variant.
Genome position (GRCh38, 1-based): chr15:74,339,290, G>T on the plus strand (C>A on the coding strand, the complement: CYP11A1 is on the minus strand). VCF-style: chr15-74339290-G-T. GRCh37 (hg19) VCF-style: chr15-74631631-G-T.
Other names: c.709C>A, p.Gln237Lys (NM_001099773.2); short protein forms Q237K, Q395K.
Identifiers: ClinVar variation 3577669 (VCV003577669.2).